The following is an entry in ClinVar:

ClinVar aggregate classification (germline): Uncertain significance. Review status: criteria provided, multiple submitters, no conflicts (2 of 4 stars). 3 submissions from 3 submitters: Uncertain significance (3). Last evaluated 2024-04-04.

Conditions:
Inborn genetic diseases. Identifiers: MedGen C0950123, MeSH D030342.

Allele frequency attached by ClinVar (database versions not stated): gnomAD exomes 0.00001 and 0.00002; ExAC 0.00002; gnomAD 0.00005 and 0.00006; TOPMed 0.00006; ESP Exome Variant Server 0.00008.

Submissions (3):

Ambry Genetics
Classification: Uncertain significance for Inborn genetic diseases. Last evaluated: 2024-04-04. Review status: criteria provided, single submitter. Criteria: Ambry Variant Classification Scheme 2023. Collection method: clinical testing. Allele origin: germline.

Labcorp Genetics (formerly Invitae), Labcorp
Classification: Uncertain significance. Last evaluated: 2021-08-31. Review status: criteria provided, single submitter. Criteria: Invitae Variant Classification Sherloc (09022015). Collection method: clinical testing. Allele origin: germline.
Comment: This sequence change replaces threonine with alanine at codon 310 of the TMC1 protein (p.Thr310Ala). The threonine residue is moderately conserved and there is a small physicochemical difference between threonine and alanine. This variant is present in population databases (rs144501871, ExAC 0.02%). This variant has not been reported in the literature in individuals affected with TMC1-related conditions. Algorithms developed to predict the effect of missense changes on protein structure and function output the following: SIFT: "Tolerated"; PolyPhen-2: "Benign"; Align-GVGD: "Class C0". The alanine amino acid residue is found in multiple mammalian species, which suggests that this missense change does not adversely affect protein function. In summary, the available evidence is currently insufficient to determine the role of this variant in disease. Therefore, it has been classified as a Variant of Uncertain Significance.

GeneDx
Classification: Uncertain significance. Last evaluated: 2020-09-25. Review status: criteria provided, single submitter. Criteria: GeneDx Variant Classification Process June 2021. Collection method: clinical testing. Allele origin: germline. Affected: yes.
Comment: In silico analysis supports that this missense variant does not alter protein structure/function; Has not been previously published as pathogenic or benign to our knowledge

NM_138691.3(TMC1):c.928A>G (p.Thr310Ala)

Gene: TMC1 (transmembrane channel like 1; plus strand). Cytogenetic location: 9q21.13.
Variant type: single nucleotide variant.
Coding change: c.928A>G on transcript NM_138691.3 (MANE Select); coding-DNA position 928, A replaced by G.
Protein change: p.Thr310Ala; replaces threonine 310 with alanine.
Molecular consequence: missense variant.
Genome position (GRCh38, 1-based): chr9:72,788,382, A>G. VCF-style: chr9-72788382-A-G. GRCh37 (hg19) VCF-style: chr9-75403298-A-G.
Other names: short protein forms T310A.
Identifiers: ClinVar variation 1310494 (VCV001310494.7), dbSNP rs144501871, ClinGen allele CA5081832.
Genomic context (GRCh38, chr9:72,788,382, plus strand): 5'-ACTTCCTGTTTTTGCAGAATGACCAAAAACATTGGTGATGATGGAGGTGGAGATGACAAC[A>G]CTTTCAATTTCAGCTGGAAGGTCTTTACCAGCTGGGACTACCTGATCGGCAATCCTGAAA-3'
Protein context (NP_619636.2, residues 300-320): IGDDGGGDDN[Thr310Ala]FNFSWKVFTS